The following is an entry in ClinVar:

ClinVar aggregate classification (germline): Uncertain significance. Review status: criteria provided, multiple submitters, no conflicts (2 of 4 stars). 3 submissions from 3 submitters: Uncertain significance (3). Last evaluated 2026-05-27.

Conditions:
Mitochondrial complex II deficiency, nuclear type 1. Also called: SUCCINATE CoQ REDUCTASE DEFICIENCY. Identifiers: Orphanet 3208, MedGen C5700310, MONDO:0100294, OMIM 252011.
Pheochromocytoma/paraganglioma syndrome 5. Also called: SDHA-Related Hereditary Paraganglioma-Pheochromocytoma Syndrome; Paragangliomas 5. Identifiers: Orphanet 29072, MedGen C3279992, MONDO:0013602, OMIM 614165.
Hereditary cancer-predisposing syndrome. Also called: Neoplastic Syndromes, Hereditary; Hereditary Cancer Syndrome; Tumor predisposition; Hereditary neoplastic syndrome. Identifiers: Orphanet 140162, MedGen C0027672, MeSH D009386, MONDO:0015356.

Allele frequency attached by ClinVar (database versions not stated): gnomAD exomes 0.00001.
gnomAD v4.1: 6 of 1,614,002 alleles (0.00037%); highest among the groups gnomAD compares: Non-Finnish European, 0.00051%; no homozygotes.

Submissions (3):

Women's Health and Genetics/Laboratory Corporation of America, LabCorp
Classification: Uncertain significance. Last evaluated: 2026-05-27. Review status: criteria provided, single submitter. Criteria: LabCorp Variant Classification Summary - May 2015. Collection method: clinical testing. Allele origin: germline.
Comment: Variant summary: SDHA c.1789T>C (p.Tyr597His) results in a conservative amino acid change in the encoded protein sequence. Algorithms developed to predict the effect of missense changes on protein structure and function are either unavailable or do not agree on the potential impact of this missense change. The variant was absent in 250824 control chromosomes. The available data on variant occurrences in the general population are insufficient to allow any conclusion about variant significance. To our knowledge, no occurrence of c.1789T>C in individuals affected with SDHA-related conditions and no experimental evidence demonstrating its impact on protein function have been reported. ClinVar contains an entry for this variant (Variation ID: 412379). Based on the evidence outlined above, the variant was classified as uncertain significance.

Ambry Genetics
Classification: Uncertain significance for Hereditary cancer-predisposing syndrome. Last evaluated: 2024-09-30. Review status: criteria provided, single submitter. Criteria: Ambry Variant Classification Scheme 2023. Collection method: clinical testing. Allele origin: germline.
Comment: The p.Y597H variant (also known as c.1789T>C), located in coding exon 13 of the SDHA gene, results from a T to C substitution at nucleotide position 1789. The tyrosine at codon 597 is replaced by histidine, an amino acid with similar properties. This amino acid position is conserved. In addition, the in silico prediction for this alteration is inconclusive. Since supporting evidence is limited at this time, the clinical significance of this alteration remains unclear.

Labcorp Genetics (formerly Invitae), Labcorp
Classification: Uncertain significance for Pheochromocytoma/paraganglioma syndrome 5; Mitochondrial complex II deficiency, nuclear type 1. Last evaluated: 2023-08-18. Review status: criteria provided, single submitter. Criteria: Invitae Variant Classification Sherloc (09022015). Collection method: clinical testing. Allele origin: germline.
Comment: In summary, the available evidence is currently insufficient to determine the role of this variant in disease. Therefore, it has been classified as a Variant of Uncertain Significance. Advanced modeling of protein sequence and biophysical properties (such as structural, functional, and spatial information, amino acid conservation, physicochemical variation, residue mobility, and thermodynamic stability) performed at Invitae indicates that this missense variant is not expected to disrupt SDHA protein function. ClinVar contains an entry for this variant (Variation ID: 412379). This variant has not been reported in the literature in individuals affected with SDHA-related conditions. This variant is not present in population databases (gnomAD no frequency). This sequence change replaces tyrosine, which is neutral and polar, with histidine, which is basic and polar, at codon 597 of the SDHA protein (p.Tyr597His).

NM_004168.4(SDHA):c.1789T>C (p.Tyr597His)

Gene: SDHA (succinate dehydrogenase complex flavoprotein subunit A; plus strand). Cytogenetic location: 5p15.33.
Variant type: single nucleotide variant.
Coding change: c.1789T>C on transcript NM_004168.4 (MANE Select); coding-DNA position 1789, T replaced by C.
Protein change: p.Tyr597His; replaces tyrosine 597 with histidine.
Molecular consequence: missense variant. On other transcripts: intron variant (1).
Genome position (GRCh38, 1-based): chr5:251,463, T>C. VCF-style: chr5-251463-T-C. GRCh37 (hg19) VCF-style: chr5-251578-T-C.
Other names: c.1645T>C, p.Tyr549His (NM_001294332.2); c.1552-2930T>C (NM_001330758.2); short protein forms Y597H, Y549H.
Identifiers: ClinVar variation 412379 (VCV000412379.13), dbSNP rs1060503721, ClinGen allele CA16611990.